The following is an entry in ClinVar:

NM_003072.5(SMARCA4):c.395G>A (p.Ser132Asn)

Gene: SMARCA4 (SWI/SNF related BAF chromatin remodeling complex subunit ATPase 4; plus strand). Cytogenetic location: 19p13.2.
Variant type: single nucleotide variant.
Coding change: c.395G>A on transcript NM_003072.5 (MANE Select); coding-DNA position 395, G replaced by A.
Protein change: p.Ser132Asn; replaces serine 132 with asparagine.
Molecular consequence: missense variant. On other transcripts: non-coding transcript variant (1).
Genome position (GRCh38, 1-based): chr19:10,986,228, G>A. VCF-style: chr19-10986228-G-A. GRCh37 (hg19) VCF-style: chr19-11096904-G-A.
Other names: c.395G>A, p.Ser132Asn (NM_001128844.3, NM_001128845.2, NM_001128846.2 and 5 more transcripts); short protein forms S132N.
Identifiers: ClinVar variation 567553 (VCV000567553.9), dbSNP rs1568421747, ClinGen allele CA404055759.

ClinVar aggregate classification (germline): Uncertain significance. Review status: criteria provided, multiple submitters, no conflicts (2 of 4 stars). 2 submissions from 2 submitters: Uncertain significance (2). Last evaluated 2024-10-19.

Conditions:
Rhabdoid tumor predisposition syndrome 2 (RTPS2). Identifiers: Orphanet 231108, Orphanet 69077, MedGen C2750074, MONDO:0013224, OMIM 613325.
Hereditary cancer-predisposing syndrome. Also called: Neoplastic Syndromes, Hereditary; Tumor predisposition; Hereditary neoplastic syndrome; Hereditary Cancer Syndrome. Identifiers: Orphanet 140162, MedGen C0027672, MeSH D009386, MONDO:0015356.

Submissions (2):

Ambry Genetics
Classification: Uncertain significance for Hereditary cancer-predisposing syndrome. Last evaluated: 2024-10-19. Review status: criteria provided, single submitter. Criteria: Ambry Variant Classification Scheme 2023. Collection method: clinical testing. Allele origin: germline.
Comment: The p.S132N variant (also known as c.395G>A), located in coding exon 3 of the SMARCA4 gene, results from a G to A substitution at nucleotide position 395. The serine at codon 132 is replaced by asparagine, an amino acid with highly similar properties. This amino acid position is highly conserved in available vertebrate species. In addition, this alteration is predicted to be tolerated by in silico analysis. Based on the available evidence, the clinical significance of this variant remains unclear.

Labcorp Genetics (formerly Invitae), Labcorp
Classification: Uncertain significance for Rhabdoid tumor predisposition syndrome 2. Last evaluated: 2023-05-13. Review status: criteria provided, single submitter. Criteria: Invitae Variant Classification Sherloc (09022015). Collection method: clinical testing. Allele origin: germline.
Comment: In summary, the available evidence is currently insufficient to determine the role of this variant in disease. Therefore, it has been classified as a Variant of Uncertain Significance. Advanced modeling of protein sequence and biophysical properties (such as structural, functional, and spatial information, amino acid conservation, physicochemical variation, residue mobility, and thermodynamic stability) has been performed at Invitae for this missense variant, however the output from this modeling did not meet the statistical confidence thresholds required to predict the impact of this variant on SMARCA4 protein function. ClinVar contains an entry for this variant (Variation ID: 567553). This variant has not been reported in the literature in individuals affected with SMARCA4-related conditions. This variant is not present in population databases (gnomAD no frequency). This sequence change replaces serine, which is neutral and polar, with asparagine, which is neutral and polar, at codon 132 of the SMARCA4 protein (p.Ser132Asn).